The following is an entry in ClinVar:

NM_000405.5(GM2A):c.*824C>A

Gene: GM2A (ganglioside GM2 activator; plus strand). Cytogenetic location: 5q33.1.
Variant type: single nucleotide variant.
Coding change: c.*824C>A on transcript NM_000405.5 (MANE Select); 824 bases downstream of the stop codon, C replaced by A.
Molecular consequence: 3 prime UTR variant.
Genome position (GRCh38, 1-based): chr5:151,268,275, C>A. VCF-style: chr5-151268275-C-A. GRCh37 (hg19) VCF-style: chr5-150647836-C-A.
Other names: c.*635C>A (NM_001167607.3).
Identifiers: ClinVar variation 352273 (VCV000352273.5), dbSNP rs186626408, ClinGen allele CA10619749.

ClinVar aggregate classification (germline): Benign (1 of 4 stars; one submission).

Conditions:
Tay-Sachs disease, variant AB. Also called: GM2 Activator Deficiency; Gm2-gangliosidosis, ab variant. Identifiers: Orphanet 309246, MedGen C0268275, MONDO:0010099, OMIM 272750.

Allele frequency attached by ClinVar (database versions not stated): gnomAD exomes 0.00055; 1000 Genomes Project 0.00519; 1000 Genomes Project 30x 0.00547; gnomAD 0.00733 and 0.00796; TOPMed 0.00859.
gnomAD v4.1: 1,262 of 428,660 alleles (0.29%); highest among the groups gnomAD compares: African/African-American, 2.5%; 10 homozygotes.

Submission:

Illumina Laboratory Services, Illumina
Classification: Benign for Tay-Sachs disease, variant AB. Last evaluated: 2018-01-13. Review status: criteria provided, single submitter. Criteria: ICSL Variant Classification Criteria 13 December 2019. Collection method: clinical testing. Allele origin: germline.
Comment: This variant was observed in the ICSL laboratory as part of a predisposition screen in an ostensibly healthy population. It had not been previously curated by ICSL or reported in the Human Gene Mutation Database (HGMD: prior to June 1st, 2018), and was therefore a candidate for classification through an automated scoring system. Utilizing variant allele frequency, disease prevalence and penetrance estimates, and inheritance mode, an automated score was calculated to assess if this variant is too frequent to cause the disease. Based on the score and internal cut-off values, a variant classified as benign is not then subjected to further curation. The score for this variant resulted in a classification of benign for this disease.